The following is an entry in ClinVar:

ClinVar aggregate classification (germline): Uncertain significance (1 of 4 stars; one submission).

Conditions:
Inborn genetic diseases. Identifiers: MedGen C0950123, MeSH D030342.

Submission:

Ambry Genetics
Classification: Uncertain significance for Inborn genetic diseases. Last evaluated: 2026-07-13. Review status: criteria provided, single submitter. Criteria: Ambry Variant Classification Scheme 2023. Collection method: clinical testing. Allele origin: germline.
Comment: The p.I365N variant (also known as c.1094T>A), located in coding exon 9 of the BUB1B gene, results from a T to A substitution at nucleotide position 1094. The isoleucine at codon 365 is replaced by asparagine, an amino acid with dissimilar properties. This amino acid position is conserved. In addition, this alteration is predicted to be tolerated by in silico analysis. Based on the available evidence, the clinical significance of this variant remains unclear.

NM_001211.6(BUB1B):c.1094T>A (p.Ile365Asn)

Gene: BUB1B (BUB1 mitotic checkpoint serine/threonine kinase B; plus strand). Cytogenetic location: 15q15.1.
Variant type: single nucleotide variant.
Coding change: c.1094T>A on transcript NM_001211.6 (MANE Select); coding-DNA position 1094, T replaced by A.
Protein change: p.Ile365Asn; replaces isoleucine 365 with asparagine.
Molecular consequence: missense variant.
Genome position (GRCh38, 1-based): chr15:40,196,580, T>A. VCF-style: chr15-40196580-T-A. GRCh37 (hg19) VCF-style: chr15-40488781-T-A.
Other names: short protein forms I365N.
Identifiers: ClinVar variation 5033517 (VCV005033517.1).